The following is an entry in ClinVar:

NM_000218.3(KCNQ1):c.*1025G>C

Genes: KCNQ1 (potassium voltage-gated channel subfamily Q member 1; plus strand), KCNQ1-AS1 (KCNQ1 antisense RNA 1; minus strand). Cytogenetic location: 11p15.4.
Variant type: single nucleotide variant.
Coding change: c.*1025G>C on transcript NM_000218.3 (MANE Select); 1025 bases downstream of the stop codon, G replaced by C.
Molecular consequence: 3 prime UTR variant.
Genome position (GRCh38, 1-based): chr11:2,849,028, G>C. VCF-style: chr11-2849028-G-C. GRCh37 (hg19) VCF-style: chr11-2870258-G-C.
Other names: c.*1025G>C (NM_001406836.1, NM_001406837.1, NM_001406838.1 and 2 more transcripts).
Identifiers: ClinVar variation 304270 (VCV000304270.8), dbSNP rs181226788, ClinGen allele CA10638866.

ClinVar aggregate classification (germline): Conflicting classifications of pathogenicity. Review status: criteria provided, conflicting classifications (1 of 4 stars). 4 submissions from 1 submitter: Uncertain significance (2); Benign (1); Likely benign (1). Last evaluated 2018-01-13.

Conditions:
Jervell and Lange-Nielsen syndrome 1 (JLNS1). Also called: CARDIOAUDITORY SYNDROME OF JERVELL AND LANGE-NIELSEN; DEAFNESS, CONGENITAL, AND FUNCTIONAL HEART DISEASE; PROLONGED QT INTERVAL IN EKG AND SUDDEN DEATH; SURDO-CARDIAC SYNDROME. Identifiers: Orphanet 768, Orphanet 90647, MedGen C4551509, MONDO:0024540, OMIM 220400.
Short QT syndrome type 2. Identifiers: Orphanet 51083, MedGen C1865019, MONDO:0012313, OMIM 609621.
Long QT syndrome 1 (LQT1). Identifiers: Orphanet 101016, Orphanet 768, MedGen C4551647, MONDO:0100316, OMIM 192500, MONDO:0008646.
Atrial fibrillation, familial, 3 (ATFB3). Identifiers: MedGen C1837014, MONDO:0011857, OMIM 607554.

Allele frequency attached by ClinVar (database versions not stated): gnomAD exomes 0.00017 and 0.00025; gnomAD 0.00088 and 0.00091; TOPMed 0.00110; 1000 Genomes Project 30x 0.00125; 1000 Genomes Project 0.00160.
gnomAD v4.1: 185 of 454,124 alleles (0.041%); highest among the groups gnomAD compares: African/African-American, 0.34%; no homozygotes.

Submissions (4):

Illumina Laboratory Services, Illumina
Classification: Uncertain significance for Atrial fibrillation, familial, 3. Last evaluated: 2018-01-13. Review status: criteria provided, single submitter. Criteria: ICSL Variant Classification Criteria 13 December 2019. Collection method: clinical testing. Allele origin: germline.

Illumina Laboratory Services, Illumina
Classification: Benign for Short QT syndrome type 2. Last evaluated: 2018-01-13. Review status: criteria provided, single submitter. Criteria: ICSL Variant Classification Criteria 13 December 2019. Collection method: clinical testing. Allele origin: germline.
Comment: This variant was observed in the ICSL laboratory as part of a predisposition screen in an ostensibly healthy population. It had not been previously curated by ICSL or reported in the Human Gene Mutation Database (HGMD: prior to June 1st, 2018), and was therefore a candidate for classification through an automated scoring system. Utilizing variant allele frequency, disease prevalence and penetrance estimates, and inheritance mode, an automated score was calculated to assess if this variant is too frequent to cause the disease. Based on the score and internal cut-off values, a variant classified as benign is not then subjected to further curation. The score for this variant resulted in a classification of benign for this disease.

Illumina Laboratory Services, Illumina
Classification: Likely benign for Long QT syndrome 1. Last evaluated: 2018-01-13. Review status: criteria provided, single submitter. Criteria: ICSL Variant Classification Criteria 13 December 2019. Collection method: clinical testing. Allele origin: germline.
Comment: This variant was observed in the ICSL laboratory as part of a predisposition screen in an ostensibly healthy population. It had not been previously curated by ICSL or reported in the Human Gene Mutation Database (HGMD: prior to June 1st, 2018), and was therefore a candidate for classification through an automated scoring system. Utilizing variant allele frequency, disease prevalence and penetrance estimates, and inheritance mode, an automated score was calculated to assess if this variant is too frequent to cause the disease. Based on the score and internal cut-off values, a variant classified as likely benign is not then subjected to further curation. The score for this variant resulted in a classification of likely benign for this disease.

Illumina Laboratory Services, Illumina
Classification: Uncertain significance for Jervell and Lange-Nielsen syndrome 1. Last evaluated: 2018-01-13. Review status: criteria provided, single submitter. Criteria: ICSL Variant Classification Criteria 13 December 2019. Collection method: clinical testing. Allele origin: germline.